The following is an entry in ClinVar:

NM_014423.4(AFF4):c.1457T>A (p.Val486Glu)

Gene: AFF4 (ALF transcription elongation factor 4; minus strand). Cytogenetic location: 5q31.1.
Variant type: single nucleotide variant.
Coding change: c.1457T>A on transcript NM_014423.4 (MANE Select); coding-DNA position 1457, T replaced by A.
Protein change: p.Val486Glu; replaces valine 486 with glutamic acid.
Molecular consequence: missense variant.
Genome position (GRCh38, 1-based): chr5:132,897,173, A>T on the plus strand (T>A on the coding strand, the complement: AFF4 is on the minus strand). VCF-style: chr5-132897173-A-T. GRCh37 (hg19) VCF-style: chr5-132232865-A-T.
Other names: c.1457T>A (NM_014423.3); short protein forms V486E.
Identifiers: ClinVar variation 2195969 (VCV002195969.8), dbSNP rs751472966, ClinGen allele CA3409092.

ClinVar aggregate classification (germline): Uncertain significance. Review status: criteria provided, multiple submitters, no conflicts (2 of 4 stars). 3 submissions from 3 submitters: Uncertain significance (3). Last evaluated 2025-02-05.

Conditions:
Inborn genetic diseases. Identifiers: MedGen C0950123, MeSH D030342.
Cognitive impairment - coarse facies - heart defects - obesity - pulmonary involvement - short stature - skeletal dysplasia syndrome. Also called: COGNITIVE IMPAIRMENT, COARSE FACIES, HEART DEFECTS, OBESITY, PULMONARY INVOLVEMENT, SHORT STATURE, AND SKELETAL DYSPLASIA; Chops syndrome; AFF4-Related CHOPS Syndrome. Identifiers: Orphanet 444077, MedGen C4085597, MONDO:0014609, OMIM 616368.
AFF4-related disorder. Also called: AFF4-related condition.

Allele frequency attached by ClinVar (database versions not stated): gnomAD exomes below 0.00001; ExAC 0.00001; gnomAD 0.00002; TOPMed 0.00002.
gnomAD v4.1: 11 of 1,614,016 alleles (0.00068%); highest among the groups gnomAD compares: Non-Finnish European, 0.00085%; no homozygotes.

Submissions (3):

PreventionGenetics, part of Exact Sciences
Classification: Uncertain significance for AFF4-related condition. Last evaluated: 2025-02-05. Review status: criteria provided, single submitter. Criteria: ACMG Guidelines, 2015. Collection method: clinical testing. Allele origin: germline.
Comment: The AFF4 c.1457T>A variant is predicted to result in the amino acid substitution p.Val486Glu. To our knowledge, this variant has not been reported in the literature. This variant is reported in 0.00088% of alleles in individuals of European (Non-Finnish) descent in gnomAD. At this time, the clinical significance of this variant is uncertain due to the absence of conclusive functional and genetic evidence.

Ambry Genetics
Classification: Uncertain significance for Inborn genetic diseases. Last evaluated: 2024-12-02. Review status: criteria provided, single submitter. Criteria: Ambry Variant Classification Scheme 2023. Collection method: clinical testing. Allele origin: germline.

Labcorp Genetics (formerly Invitae), Labcorp
Classification: Uncertain significance for Cognitive impairment - coarse facies - heart defects - obesity - pulmonary involvement - short stature - skeletal dysplasia syndrome. Last evaluated: 2022-10-17. Review status: criteria provided, single submitter. Criteria: Invitae Variant Classification Sherloc (09022015). Collection method: clinical testing. Allele origin: germline.
Comment: In summary, the available evidence is currently insufficient to determine the role of this variant in disease. Therefore, it has been classified as a Variant of Uncertain Significance. Advanced modeling of protein sequence and biophysical properties (such as structural, functional, and spatial information, amino acid conservation, physicochemical variation, residue mobility, and thermodynamic stability) performed at Invitae indicates that this missense variant is not expected to disrupt AFF4 protein function. This variant has not been reported in the literature in individuals affected with AFF4-related conditions. This variant is present in population databases (rs751472966, gnomAD 0.0009%). This sequence change replaces valine, which is neutral and non-polar, with glutamic acid, which is acidic and polar, at codon 486 of the AFF4 protein (p.Val486Glu).